The following is an entry in ClinVar:

ClinVar aggregate classification (germline): Conflicting classifications of pathogenicity. Review status: criteria provided, conflicting classifications (1 of 4 stars). 3 submissions from 3 submitters: Likely pathogenic (1); Uncertain significance (1); Likely benign (1). Last evaluated 2023-03-23.

Conditions:
Hereditary cancer-predisposing syndrome. Also called: Tumor predisposition; Neoplastic Syndromes, Hereditary; Hereditary neoplastic syndrome; Hereditary Cancer Syndrome. Identifiers: Orphanet 140162, MedGen C0027672, MeSH D009386, MONDO:0015356.
Hereditary breast ovarian cancer syndrome. Also called: Hereditary breast and ovarian cancer syndrome; Breast and ovarian cancer; Hereditary breast and/or ovarian cancer syndrome; Hereditary breast and ovarian cancer; BRCA1- and BRCA2-Associated Hereditary Breast and Ovarian Cancer; Hereditary breast and ovarian cancer syndrome (HBOC). Identifiers: Orphanet 145, MedGen C0677776, MeSH D061325, MONDO:0003582. Disease mechanism: loss of function.

Submissions (3):

University of Washington Department of Laboratory Medicine, University of Washington
Classification: Likely benign for Hereditary cancer-predisposing syndrome. Last evaluated: 2023-03-23. Review status: criteria provided, single submitter. Criteria: Dines et al. (Genet Med. 2020). Collection method: curation. Allele origin: germline.
Comment: Missense variant in a coldspot region where missense variants are very unlikely to be pathogenic (PMID:31911673).

BRCA1 coldspot (exon 11 using historical exon numbering). Reclassification based on statistical prior probability

Ambry Genetics
Classification: Likely pathogenic for Hereditary cancer-predisposing syndrome. Last evaluated: 2020-05-29. Review status: criteria provided, single submitter. Criteria: Ambry Variant Classification Scheme 2023. Collection method: clinical testing. Allele origin: germline.
Comment: The p.K260R variant (also known as c.779A>G), located in coding exon 9 of the BRCA1 gene, results from an A to G substitution at nucleotide position 779. The lysine at codon 260 is replaced by arginine, an amino acid with highly similar properties. This nucleotide position is highly conserved in available vertebrate species. Using the BDGP and ESEfinder splice site prediction tools, this alteration is predicted to create a new alternate splice donor site. RNA studies have demonstrated that this alteration results in abnormal splicing in the set of samples tested (Ambry internal data). Based on the majority of available evidence to date, this variant is likely to be pathogenic.

Labcorp Genetics (formerly Invitae), Labcorp
Classification: Uncertain significance for Hereditary breast ovarian cancer syndrome. Last evaluated: 2019-03-13. Review status: criteria provided, single submitter. Criteria: Invitae Variant Classification Sherloc (09022015). Collection method: clinical testing. Allele origin: germline.
Comment: In summary, the available evidence is currently insufficient to determine the role of this variant in disease. Therefore, it has been classified as a Variant of Uncertain Significance. This sequence change replaces lysine with arginine at codon 260 of the BRCA1 protein (p.Lys260Arg). The lysine residue is moderately conserved and there is a small physicochemical difference between lysine and arginine. This variant is not present in population databases (ExAC no frequency). This variant has been reported in individuals in the Leiden Open-source Variation Database (PMID: 21520333). Algorithms developed to predict the effect of missense changes on protein structure and function output the following: SIFT: "Tolerated"; PolyPhen-2: "Probably Damaging"; Align-GVGD: "Class C0". The arginine amino acid residue is found in multiple mammalian species, suggesting that this missense change does not adversely affect protein function. These predictions have not been confirmed by published functional studies and their clinical significance is uncertain.

Literature cited by the submitters: PubMed 21520333 (cited by Labcorp Genetics (formerly Invitae), Labcorp).

NM_007294.4(BRCA1):c.779A>G (p.Lys260Arg)

Gene: BRCA1 (BRCA1 DNA repair associated; minus strand). Cytogenetic location: 17q21.31.
Variant type: single nucleotide variant.
Coding change: c.779A>G on transcript NM_007294.4 (MANE Select); coding-DNA position 779, A replaced by G.
Protein change: p.Lys260Arg; replaces lysine 260 with arginine.
Molecular consequence: missense variant. On other transcripts: non-coding transcript variant (1).
Genome position (GRCh38, 1-based): chr17:43,094,752, T>C on the plus strand (A>G on the coding strand, the complement: BRCA1 is on the minus strand). VCF-style: chr17-43094752-T-C. GRCh37 (hg19) VCF-style: chr17-41246769-T-C.
Other names: c.566A>G, p.Lys189Arg (NM_001408490.1, NM_001408491.1, NM_001408493.1 and 12 more transcripts); c.569A>G, p.Lys190Arg (NM_001408492.1, NM_001408513.1, NM_001408514.1 and 25 more transcripts); c.515A>G, p.Lys172Arg (NM_001408496.1, NM_001408497.1, NM_001408498.1 and 15 more transcripts); c.443A>G, p.Lys148Arg (NM_001408509.1, NM_001408508.1, NM_001407954.1 and 3 more transcripts); c.398A>G, p.Lys133Arg (NM_001408510.1, NM_001407959.1, NM_001407960.1 and 1 more transcripts); c.275A>G, p.Lys92Arg (NM_001408512.1, NM_001407965.1); c.512A>G, p.Lys171Arg (NM_001408504.1, NM_001408505.1, NM_001408503.1 and 5 more transcripts); c.638A>G, p.Lys213Arg (NM_007297.4, NM_001407692.1, NM_001407694.1 and 43 more transcripts); and 14 more; short protein forms K213R, K260R, K132R, K133R, K148R, K149R, K215R, K234R.
Identifiers: ClinVar variation 848860 (VCV000848860.15), dbSNP rs2054049431, ClinGen allele CA10600522.
Genomic context (GRCh38, chr17:43,094,752, plus strand): 5'-GCATGAGTATTTGTGCCACATGGCTCCACATGCAAGTTTGAAACAGAACTACCCTGATAC[T>C]TTTCTGGATGCCTCTCAGCTGCACGCTTCTCAGTGGTGTTCAAATCATTATTACTGGGTT-3'
Protein context (NP_009225.1, residues 250-270): EKRAAERHPE[Lys260Arg]YQGSSVSNLH